The following is an entry in ClinVar:

ClinVar aggregate classification (germline): Uncertain significance (1 of 4 stars; one submission).

Allele frequency attached by ClinVar (database versions not stated): gnomAD exomes below 0.00001; TOPMed below 0.00001; ExAC 0.00001; gnomAD 0.00001.
gnomAD v4.1: 5 of 1,614,120 alleles (0.00031%); highest among the groups gnomAD compares: South Asian, 0.0011%; no homozygotes.

Submission:

Labcorp Genetics (formerly Invitae), Labcorp
Classification: Uncertain significance. Last evaluated: 2022-03-10. Review status: criteria provided, single submitter. Criteria: Invitae Variant Classification Sherloc (09022015). Collection method: clinical testing. Allele origin: germline.
Comment: In summary, the available evidence is currently insufficient to determine the role of this variant in disease. Therefore, it has been classified as a Variant of Uncertain Significance. Advanced modeling of protein sequence and biophysical properties (such as structural, functional, and spatial information, amino acid conservation, physicochemical variation, residue mobility, and thermodynamic stability) performed at Invitae indicates that this missense variant is expected to disrupt LRP2 protein function. This variant has not been reported in the literature in individuals affected with LRP2-related conditions. This variant is present in population databases (rs762542106, gnomAD 0.003%). This sequence change replaces threonine, which is neutral and polar, with isoleucine, which is neutral and non-polar, at codon 1130 of the LRP2 protein (p.Thr1130Ile).

NM_004525.3(LRP2):c.3389C>T (p.Thr1130Ile)

Gene: LRP2 (LDL receptor related protein 2; minus strand). Cytogenetic location: 2q31.1.
Variant type: single nucleotide variant.
Coding change: c.3389C>T on transcript NM_004525.3 (MANE Select); coding-DNA position 3389, C replaced by T.
Protein change: p.Thr1130Ile; replaces threonine 1130 with isoleucine.
Molecular consequence: missense variant.
Genome position (GRCh38, 1-based): chr2:169,244,734, G>A on the plus strand (C>T on the coding strand, the complement: LRP2 is on the minus strand). VCF-style: chr2-169244734-G-A. GRCh37 (hg19) VCF-style: chr2-170101244-G-A.
Other names: short protein forms T1130I.
Identifiers: ClinVar variation 1361120 (VCV001361120.8), dbSNP rs762542106, ClinGen allele CA1955052.